The following is an entry in ClinVar:

NM_052989.3(IFT122):c.3462G>A (p.Leu1154=)

Gene: IFT122 (intraflagellar transport 122; plus strand). Cytogenetic location: 3q22.1.
Variant type: single nucleotide variant.
Coding change: c.3462G>A on transcript NM_052989.3 (MANE Select); coding-DNA position 3462, G replaced by A.
Protein change: p.Leu1154=; no amino-acid change (leucine 1154 retained).
Molecular consequence: synonymous variant.
Genome position (GRCh38, 1-based): chr3:129,519,177, G>A. VCF-style: chr3-129519177-G-A. GRCh37 (hg19) VCF-style: chr3-129238020-G-A.
Other names: p.Leu1205=; c.3441G>A, p.Leu1147= (NM_001280541.2); c.3012G>A, p.Leu1004= (NM_001280545.2); c.2835G>A, p.Leu945= (NM_001280546.2); c.3285G>A, p.Leu1095= (NM_018262.4); c.3615G>A, p.Leu1205= (NM_052985.4); c.3132G>A, p.Leu1044= (NM_052990.3).
Identifiers: ClinVar variation 530929 (VCV000530929.13), dbSNP rs150692598, ClinGen allele CA2606926.

ClinVar aggregate classification (germline): Benign/Likely benign. Review status: criteria provided, multiple submitters, no conflicts (2 of 4 stars). 3 submissions from 3 submitters: Benign (1); Likely benign (2). Last evaluated 2025-12-24.

Conditions:
Cranioectodermal dysplasia 1 (CED1). Also called: LEVIN SYNDROME I. Identifiers: Orphanet 1515, MedGen C0432235, MONDO:0021093, OMIM 218330.

Allele frequency attached by ClinVar (database versions not stated): gnomAD exomes 0.00012 and 0.00042; ExAC 0.00051; ESP Exome Variant Server 0.00100; gnomAD 0.00116 and 0.00125; TOPMed 0.00130; 1000 Genomes Project 30x 0.00187; 1000 Genomes Project 0.00200.
gnomAD v4.1: 351 of 1,613,964 alleles (0.022%); highest among the groups gnomAD compares: African/African-American, 0.4%; no homozygotes.

Submissions (3):

Labcorp Genetics (formerly Invitae), Labcorp
Classification: Benign for Cranioectodermal dysplasia 1. Last evaluated: 2025-12-24. Review status: criteria provided, single submitter. Criteria: Invitae Variant Classification Sherloc (09022015). Collection method: clinical testing. Allele origin: germline.

Mayo Clinic Laboratories, Mayo Clinic
Classification: Likely benign. Last evaluated: 2025-09-20. Review status: criteria provided, single submitter. Criteria: ACMG Guidelines, 2015. Collection method: clinical testing. Allele origin: germline. Observed: 1 variant allele.
Comment: BS1, BP4, BP7

Fulgent Genetics
Classification: Likely benign for Cranioectodermal dysplasia 1. Last evaluated: 2021-09-20. Review status: criteria provided, single submitter. Criteria: ACMG Guidelines, 2015. Collection method: clinical testing. Allele origin: unknown.